The following is an entry in ClinVar:

NM_006269.2(RP1):c.4633A>G (p.Lys1545Glu)

Gene: RP1 (RP1 axonemal microtubule associated; plus strand). Cytogenetic location: 8q12.1.
Variant type: single nucleotide variant.
Coding change: c.4633A>G on transcript NM_006269.2 (MANE Select); coding-DNA position 4633, A replaced by G.
Protein change: p.Lys1545Glu; replaces lysine 1545 with glutamic acid.
Molecular consequence: missense variant.
Genome position (GRCh38, 1-based): chr8:54,628,515, A>G. VCF-style: chr8-54628515-A-G. GRCh37 (hg19) VCF-style: chr8-55541075-A-G.
Other names: c.4633A>G (NM_006269.1); short protein forms K1545E.
Identifiers: ClinVar variation 594040 (VCV000594040.10), dbSNP rs767994258, ClinGen allele CA4751914.
Genomic context (GRCh38, chr8:54,628,515, plus strand): 5'-TATGAAATAATCAGTAAGAGGCTGGCAACACCACCATCTTTAGATTTTTGCTATGATTCT[A>G]AGCAAAATAGTGAAAAGGAGACCAATGAAGGAGAAACTAAGATGGTAAAAATGATGGTGA-3'
Protein context (NP_006260.1, residues 1535-1555): PPSLDFCYDS[Lys1545Glu]QNSEKETNEG

ClinVar aggregate classification (germline): Uncertain significance. Review status: criteria provided, multiple submitters, no conflicts (2 of 4 stars). 4 submissions from 4 submitters: Uncertain significance (4). Last evaluated 2025-04-13.

Conditions:
Inborn genetic diseases. Identifiers: MedGen C0950123, MeSH D030342.

Allele frequency attached by ClinVar (database versions not stated): gnomAD exomes 0.00001; ExAC 0.00002; TOPMed 0.00002.
gnomAD v4.1: 67 of 1,613,906 alleles (0.0042%); highest among the groups gnomAD compares: Non-Finnish European, 0.0053%; no homozygotes.

Submissions (4):

Labcorp Genetics (formerly Invitae), Labcorp
Classification: Uncertain significance. Last evaluated: 2025-04-13. Review status: criteria provided, single submitter. Criteria: Invitae Variant Classification Sherloc (09022015). Collection method: clinical testing. Allele origin: germline.
Comment: This sequence change replaces lysine, which is basic and polar, with glutamic acid, which is acidic and polar, at codon 1545 of the RP1 protein (p.Lys1545Glu). This variant is present in population databases (rs767994258, gnomAD 0.003%). This variant has not been reported in the literature in individuals affected with RP1-related conditions. ClinVar contains an entry for this variant (Variation ID: 594040). An algorithm developed to predict the effect of missense changes on protein structure and function (PolyPhen-2) suggests that this variant is likely to be disruptive. In summary, the available evidence is currently insufficient to determine the role of this variant in disease. Therefore, it has been classified as a Variant of Uncertain Significance.

Ambry Genetics
Classification: Uncertain significance for Inborn genetic diseases. Last evaluated: 2024-03-08. Review status: criteria provided, single submitter. Criteria: Ambry Variant Classification Scheme 2023. Collection method: clinical testing. Allele origin: germline.

Blueprint Genetics
Classification: Uncertain significance. Last evaluated: 2023-12-12. Review status: criteria provided, single submitter. Criteria: ACMG Guidelines, 2015. Collection method: clinical testing. Allele origin: germline.

Eurofins Ntd Llc (ga)
Classification: Uncertain significance. Last evaluated: 2017-09-28. Review status: criteria provided, single submitter. Criteria: EGL Classification Definitions 2015. Collection method: clinical testing. Allele origin: germline. Observed: 1 variant allele, 1 heterozygote.